The following is an entry in ClinVar:

ClinVar aggregate classification (germline): Pathogenic. Review status: criteria provided, multiple submitters, no conflicts (2 of 4 stars). 2 submissions from 2 submitters: Pathogenic (2). Last evaluated 2024-04-25.

Conditions:
Intellectual developmental disorder, X-linked, syndromic, Raymond type. Also called: Syndromic X-linked intellectual disability Raymond type. Identifiers: MedGen C3275406, MONDO:0010427, OMIM 300799.

gnomAD v4.1: 1 of 1,210,505 alleles (0.000083%); highest among the groups gnomAD compares: Non-Finnish European, 0.00011%; no homozygotes.

Submissions (2):

GeneDx
Classification: Pathogenic. Last evaluated: 2024-04-25. Review status: criteria provided, single submitter. Criteria: GeneDx Variant Classification Process June 2021. Collection method: clinical testing. Allele origin: germline. Affected: yes.
Comment: Nonsense variant predicted to result in protein truncation or nonsense mediated decay in a gene for which loss of function is a known mechanism of disease; Not observed at significant frequency in large population cohorts (gnomAD); Has not been previously published as pathogenic or benign to our knowledge

Labcorp Genetics (formerly Invitae), Labcorp
Classification: Pathogenic for Intellectual developmental disorder, X-linked, syndromic, Raymond type. Last evaluated: 2022-04-16. Review status: criteria provided, single submitter. Criteria: Invitae Variant Classification Sherloc (09022015). Collection method: clinical testing. Allele origin: germline.
Comment: For these reasons, this variant has been classified as Pathogenic. This variant has not been reported in the literature in individuals affected with ZDHHC9-related conditions. This variant is not present in population databases (gnomAD no frequency). This sequence change creates a premature translational stop signal (p.Arg121*) in the ZDHHC9 gene. It is expected to result in an absent or disrupted protein product. Loss-of-function variants in ZDHHC9 are known to be pathogenic (PMID: 17436253, 24357419).

Literature cited by the submitters: PubMed 17436253 (cited by Labcorp Genetics (formerly Invitae), Labcorp); PubMed 24357419 (cited by Labcorp Genetics (formerly Invitae), Labcorp).

NM_016032.4(ZDHHC9):c.361C>T (p.Arg121Ter)

Gene: ZDHHC9 (zDHHC palmitoyltransferase 9; minus strand). Cytogenetic location: Xq26.1.
Variant type: single nucleotide variant.
Coding change: c.361C>T on transcript NM_016032.4 (MANE Select); coding-DNA position 361, C replaced by T.
Protein change: p.Arg121Ter; replaces arginine 121 with a stop codon.
Molecular consequence: nonsense.
Genome position (GRCh38, 1-based): chrX:129,823,805, G>A on the plus strand (C>T on the coding strand, the complement: ZDHHC9 is on the minus strand). VCF-style: chrX-129823805-G-A. GRCh37 (hg19) VCF-style: chrX-128957781-G-A.
Other names: c.361C>T, p.Arg121Ter (NM_001008222.3); c.361C>T (NM_016032.2); short protein forms R121*.
Identifiers: ClinVar variation 2126777 (VCV002126777.5), dbSNP rs2522207283, ClinGen allele CA414590996.